The following is an entry in ClinVar:

NM_001367561.1(DOCK7):c.2473A>G (p.Ile825Val)

Gene: DOCK7 (dedicator of cytokinesis 7; minus strand). Cytogenetic location: 1p31.3.
Variant type: single nucleotide variant.
Coding change: c.2473A>G on transcript NM_001367561.1 (MANE Select); coding-DNA position 2473, A replaced by G.
Protein change: p.Ile825Val; replaces isoleucine 825 with valine.
Molecular consequence: missense variant.
Genome position (GRCh38, 1-based): chr1:62,555,948, T>C on the plus strand (A>G on the coding strand, the complement: DOCK7 is on the minus strand). VCF-style: chr1-62555948-T-C. GRCh37 (hg19) VCF-style: chr1-63021619-T-C.
Other names: c.2473A>G, p.Ile825Val (NM_001271999.2, NM_001272000.2, NM_001272001.2 and 2 more transcripts); short protein forms I825V.
Identifiers: ClinVar variation 1035020 (VCV001035020.9), dbSNP rs1260109202, ClinGen allele CA340623655.

ClinVar aggregate classification (germline): Uncertain significance (1 of 4 stars; one submission).

Conditions:
Developmental and epileptic encephalopathy, 23 (DEE23). Also called: Epileptic encephalopathy, early infantile, 23. Identifiers: Orphanet 411986, MedGen C4014492, MONDO:0014371, OMIM 615859.

Allele frequency attached by ClinVar (database versions not stated): gnomAD exomes below 0.00001.

Submission:

Labcorp Genetics (formerly Invitae), Labcorp
Classification: Uncertain significance for Developmental and epileptic encephalopathy, 23. Last evaluated: 2020-09-24. Review status: criteria provided, single submitter. Criteria: Invitae Variant Classification Sherloc (09022015). Collection method: clinical testing. Allele origin: germline.
Comment: In summary, the available evidence is currently insufficient to determine the role of this variant in disease. Therefore, it has been classified as a Variant of Uncertain Significance. Algorithms developed to predict the effect of missense changes on protein structure and function output the following: SIFT: "Tolerated"; PolyPhen-2: "Benign"; Align-GVGD: "Class C0". The valine amino acid residue is found in multiple mammalian species, suggesting that this missense change does not adversely affect protein function. These predictions have not been confirmed by published functional studies and their clinical significance is uncertain. This variant has not been reported in the literature in individuals with DOCK7-related conditions. This variant is not present in population databases (ExAC no frequency). This sequence change replaces isoleucine with valine at codon 825 of the DOCK7 protein (p.Ile825Val). The isoleucine residue is moderately conserved and there is a small physicochemical difference between isoleucine and valine.